The following is an entry in ClinVar:

NM_002860.4(ALDH18A1):c.598C>T (p.Arg200Cys)

Gene: ALDH18A1 (aldehyde dehydrogenase 18 family member A1; minus strand). Cytogenetic location: 10q24.1.
Variant type: single nucleotide variant.
Coding change: c.598C>T on transcript NM_002860.4 (MANE Select); coding-DNA position 598, C replaced by T.
Protein change: p.Arg200Cys; replaces arginine 200 with cysteine.
Molecular consequence: missense variant. On other transcripts: 5 prime UTR variant (1).
Genome position (GRCh38, 1-based): chr10:95,633,610, G>A on the plus strand (C>T on the coding strand, the complement: ALDH18A1 is on the minus strand). VCF-style: chr10-95633610-G-A. GRCh37 (hg19) VCF-style: chr10-97393367-G-A.
Other names: c.598C>T, p.Arg200Cys (NM_001017423.2, NM_001323413.2, NM_001323414.2 and 1 more transcripts); c.265C>T, p.Arg89Cys (NM_001323412.2, NM_001323416.2, NM_001323418.2); c.493C>T, p.Arg165Cys (NM_001323417.2); c.-39C>T (NM_001323419.2); short protein forms R200C, R165C, R89C.
Identifiers: ClinVar variation 570966 (VCV000570966.15), dbSNP rs201801058, ClinGen allele CA5620566.
Genomic context (GRCh38, chr10:95,633,610, plus strand): 5'-TGACAATGGGGACAATGTTCATTCTAAGGAGTTCATGAAGTGTTCCATTGAGGTTCCGGC[G>A]CTTCTGCTCATCATGGAAATCCAAATTGGTCACCAAAATCTAAAAGGATTAAATAGATGG-3'
Protein context (NP_002851.2, residues 190-210): TNLDFHDEQK[Arg200Cys]RNLNGTLHEL

ClinVar aggregate classification (germline): Uncertain significance. Review status: criteria provided, multiple submitters, no conflicts (2 of 4 stars). 4 submissions from 4 submitters: Uncertain significance (3). 1 of the submissions does not count toward it. Last evaluated 2025-03-27.

Conditions:
de Barsy syndrome. Also called: Cutis laxa-corneal clouding-oligophrenia syndrome. Identifiers: Orphanet 2962, MedGen C0268354, MONDO:0017569.
Autosomal dominant spastic paraplegia type 9. Identifiers: MedGen C1832669, MONDO:0015091.
Cutis laxa, autosomal dominant 3 (ADCL3). Identifiers: Orphanet 90348, MedGen C4225268, MONDO:0014706, OMIM 616603.
ALDH18A1-related disorder. Also called: ALDH18A1-related disorders.

Allele frequency attached by ClinVar (database versions not stated): gnomAD 0.00001 and 0.00002; gnomAD exomes 0.00001; TOPMed 0.00001; ExAC 0.00002; 1000 Genomes Project 30x 0.00016; 1000 Genomes Project 0.00020.

Submissions (4):

Labcorp Genetics (formerly Invitae), Labcorp
Classification: Uncertain significance for Autosomal dominant spastic paraplegia type 9; de Barsy syndrome; Cutis laxa, autosomal dominant 3. Last evaluated: 2025-03-27. Review status: criteria provided, single submitter. Criteria: Invitae Variant Classification Sherloc (09022015). Collection method: clinical testing. Allele origin: germline.
Comment: This sequence change replaces arginine, which is basic and polar, with cysteine, which is neutral and slightly polar, at codon 200 of the ALDH18A1 protein (p.Arg200Cys). This variant is present in population databases (rs201801058, gnomAD 0.007%). This variant has not been reported in the literature in individuals affected with ALDH18A1-related conditions. ClinVar contains an entry for this variant (Variation ID: 570966). Invitae Evidence Modeling of protein sequence and biophysical properties (such as structural, functional, and spatial information, amino acid conservation, physicochemical variation, residue mobility, and thermodynamic stability) has been performed for this missense variant. However, the output from this modeling did not meet the statistical confidence thresholds required to predict the impact of this variant on ALDH18A1 protein function. In summary, the available evidence is currently insufficient to determine the role of this variant in disease. Therefore, it has been classified as a Variant of Uncertain Significance.

GeneDx
Classification: Uncertain significance. Last evaluated: 2023-07-21. Review status: criteria provided, single submitter. Criteria: GeneDx Variant Classification Process June 2021. Collection method: clinical testing. Allele origin: germline. Affected: yes.
Comment: Not observed at significant frequency in large population cohorts (gnomAD); In silico analysis supports that this missense variant has a deleterious effect on protein structure/function; Has not been previously published as pathogenic or benign to our knowledge

Revvity Omics, Revvity
Classification: Uncertain significance. Last evaluated: 2021-12-22. Review status: criteria provided, single submitter. Criteria: ACMG Guidelines, 2015. Collection method: clinical testing. Allele origin: germline.

PreventionGenetics, part of Exact Sciences
Classification: Uncertain significance for ALDH18A1-related condition. Last evaluated: 2024-07-08. Review status: no assertion criteria provided. Collection method: clinical testing. Allele origin: germline. Not counted in ClinVar's aggregate classification.
Comment: The ALDH18A1 c.598C>T variant is predicted to result in the amino acid substitution p.Arg200Cys. To our knowledge, this variant has not been reported in the literature. This variant is reported in 0.0062% of alleles in individuals of African descent in gnomAD. At this time, the clinical significance of this variant is uncertain due to the absence of conclusive functional and genetic evidence.